The following is an entry in ClinVar:

NM_001267550.2(TTN):c.20108G>A (p.Arg6703Gln)

Genes: TTN (titin; minus strand), LOC126806429 (BRD4-independent group 4 enhancer GRCh37_chr2:179591393-179592592; plus strand). Cytogenetic location: 2q31.2.
Variant type: single nucleotide variant.
Coding change: c.20108G>A on transcript NM_001267550.2 (MANE Select); coding-DNA position 20108, G replaced by A.
Protein change: p.Arg6703Gln; replaces arginine 6703 with glutamine.
Molecular consequence: missense variant. On other transcripts: intron variant (3).
Genome position (GRCh38, 1-based): chr2:178,727,257, C>T on the plus strand (G>A on the coding strand, the complement: TTN is on the minus strand). VCF-style: chr2-178727257-C-T. GRCh37 (hg19) VCF-style: chr2-179591984-C-T.
Other names: p.R6386Q:CGA>CAA; c.19157G>A, p.Arg6386Gln (NM_001256850.1); c.16376G>A, p.Arg5459Gln (NM_133378.4); c.13282+10825G>A (NM_003319.4); c.13858+10825G>A (NM_133437.4); c.13657+10825G>A (NM_133432.3); short protein forms R6386Q, R6703Q, R5459Q.
Identifiers: ClinVar variation 203283 (VCV000203283.15), dbSNP rs546821182, ClinGen allele CA311913.

ClinVar aggregate classification (germline): Conflicting classifications of pathogenicity. Review status: criteria provided, conflicting classifications (1 of 4 stars). 11 submissions from 7 submitters: Uncertain significance (7); Benign (2); Likely benign (2). Last evaluated 2026-06-17.

Conditions:
TTN-related disorder. Also called: TTN-related condition; TTN-related disease; TTN-related disorders.
Early-onset myopathy with fatal cardiomyopathy (CMYO5). Also called: Salih Myopathy; CONGENITAL MYOPATHY 5 WITH CARDIOMYOPATHY. Identifiers: Orphanet 289377, MedGen C2673677, MONDO:0012714, OMIM 611705. Disease mechanism: loss of function.
Autosomal recessive limb-girdle muscular dystrophy type 2J (LGMDR10). Also called: Limb-girdle muscular dystrophy, type 2J; MUSCULAR DYSTROPHY, LIMB-GIRDLE, AUTOSOMAL RECESSIVE 10. Identifiers: Orphanet 140922, MedGen C1837342, MONDO:0012127, OMIM 608807.
Myopathy, myofibrillar, 9, with early respiratory failure (MFM9). Also called: Myopathy, distal, with early respiratory failure, autosomal dominant; MYOPATHY, PROXIMAL, WITH EARLY RESPIRATORY MUSCLE INVOLVEMENT; Hereditary myopathy with early respiratory failure; EDSTROM MYOPATHY. Identifiers: Orphanet 178464, Orphanet 34521, MedGen C1863599, MONDO:0011362, OMIM 603689.
Dilated cardiomyopathy 1G (CMD1G). Identifiers: Orphanet 154, MedGen C1858763, MONDO:0011400, OMIM 604145.
Tibial muscular dystrophy (TMD). Also called: Tibial muscular dystrophy, tardive; Udd Distal Myopathy – Tibial Muscular Dystrophy; UDD MYOPATHY. Identifiers: Orphanet 609, MedGen C1838244, MONDO:0010870, OMIM 600334.

Allele frequency attached by ClinVar (database versions not stated): ExAC 0.00003; gnomAD exomes 0.00004; gnomAD 0.00014 and 0.00015; TOPMed 0.00015; 1000 Genomes Project 30x 0.00016; 1000 Genomes Project 0.00020.
gnomAD v4.1: 55 of 1,613,112 alleles (0.0034%); highest among the groups gnomAD compares: Middle Eastern, 0.099%; no homozygotes.

Submissions (11):

PreventionGenetics, part of Exact Sciences
Classification: Uncertain significance for TTN-related condition. Last evaluated: 2026-06-17. Review status: criteria provided, single submitter. Criteria: ACMG Guidelines, 2015. Collection method: clinical testing. Allele origin: germline.
Comment: The TTN c.20108G>A variant is predicted to result in the amino acid substitution p.Arg6703Gln. To our knowledge, this variant has not been reported in the literature. This variant is reported in 0.025% of alleles in individuals of African descent in gnomAD. At this time, the clinical significance of this variant is uncertain due to the absence of conclusive functional and genetic evidence.

Women's Health and Genetics/Laboratory Corporation of America, LabCorp
Classification: Uncertain significance. Last evaluated: 2025-07-16. Review status: criteria provided, single submitter. Criteria: LabCorp Variant Classification Summary - May 2015. Collection method: clinical testing. Allele origin: germline.
Comment: Variant summary: TTN c.16376G>A (p.Arg5459Gln) results in a conservative amino acid change in the encoded protein sequence. Algorithms developed to predict the effect of missense changes on protein structure and function are either unavailable or do not agree on the potential impact of this missense change. The variant allele was found at a frequency of 4.4e-05 in 248290 control chromosomes. This frequency is not significantly higher than estimated for a pathogenic variant in TTN causing Autosomal Recessive Titinopathy (4.4e-05 vs 0.00039), allowing no conclusion about variant significance. To our knowledge, no occurrence of c.16376G>A in individuals affected with Autosomal Recessive Titinopathy and no experimental evidence demonstrating its impact on protein function have been reported. ClinVar contains an entry for this variant (Variation ID: 203283). Based on the evidence outlined above, the variant was classified as uncertain significance.

Revvity Omics, Revvity
Classification: Uncertain significance. Last evaluated: 2024-03-18. Review status: criteria provided, single submitter. Criteria: ACMG Guidelines, 2015. Collection method: clinical testing. Allele origin: germline.

Blueprint Genetics
Classification: Likely benign. Last evaluated: 2020-07-28. Review status: criteria provided, single submitter. Criteria: ACMG Guidelines, 2015. Collection method: clinical testing. Allele origin: germline.

GeneDx
Classification: Likely benign. Last evaluated: 2018-08-06. Review status: criteria provided, single submitter. Criteria: GeneDx Variant Classification Process June 2021. Collection method: clinical testing. Allele origin: germline. Affected: yes.

Illumina Laboratory Services, Illumina
Classification: Uncertain significance for Autosomal recessive limb-girdle muscular dystrophy type 2J. Last evaluated: 2018-01-12. Review status: criteria provided, single submitter. Criteria: ICSL Variant Classification Criteria 13 December 2019. Collection method: clinical testing. Allele origin: germline.

Illumina Laboratory Services, Illumina
Classification: Benign for Myopathy, myofibrillar, 9, with early respiratory failure. Last evaluated: 2018-01-12. Review status: criteria provided, single submitter. Criteria: ICSL Variant Classification Criteria 13 December 2019. Collection method: clinical testing. Allele origin: germline.
Comment: This variant was observed in the ICSL laboratory as part of a predisposition screen in an ostensibly healthy population. It had not been previously curated by ICSL or reported in the Human Gene Mutation Database (HGMD: prior to June 1st, 2018), and was therefore a candidate for classification through an automated scoring system. Utilizing variant allele frequency, disease prevalence and penetrance estimates, and inheritance mode, an automated score was calculated to assess if this variant is too frequent to cause the disease. Based on the score and internal cut-off values, a variant classified as benign is not then subjected to further curation. The score for this variant resulted in a classification of benign for this disease.

Illumina Laboratory Services, Illumina
Classification: Benign for Tibial muscular dystrophy. Last evaluated: 2018-01-12. Review status: criteria provided, single submitter. Criteria: ICSL Variant Classification Criteria 13 December 2019. Collection method: clinical testing. Allele origin: germline.
Comment: the same text as in the submission from Illumina Laboratory Services, Illumina above.

Illumina Laboratory Services, Illumina
Classification: Uncertain significance for Early-onset myopathy with fatal cardiomyopathy. Last evaluated: 2018-01-12. Review status: criteria provided, single submitter. Criteria: ICSL Variant Classification Criteria 13 December 2019. Collection method: clinical testing. Allele origin: germline.

Illumina Laboratory Services, Illumina
Classification: Uncertain significance for Dilated cardiomyopathy 1G. Last evaluated: 2018-01-12. Review status: criteria provided, single submitter. Criteria: ICSL Variant Classification Criteria 13 December 2019. Collection method: clinical testing. Allele origin: germline.

Eurofins Ntd Llc (ga)
Classification: Uncertain significance. Last evaluated: 2017-01-16. Review status: criteria provided, single submitter. Criteria: EGL Classification Definitions 2015. Collection method: clinical testing. Allele origin: germline. Observed: 1 variant allele, 1 heterozygote.